The following is an entry in ClinVar:

ClinVar aggregate classification (germline): Uncertain significance (1 of 4 stars; one submission).

Conditions:
Cohen syndrome (COH1). Also called: PEPPER SYNDROME; Cutis verticis gyrata, retinitis pigmentosa, and sensorineural deafness. Identifiers: Orphanet 193, MedGen C0265223, MONDO:0008999, OMIM 216550.

gnomAD v4.1: 1 of 1,614,138 alleles (0.000062%); highest among the groups gnomAD compares: Non-Finnish European, 0.000085%; no homozygotes.

Submission:

Labcorp Genetics (formerly Invitae), Labcorp
Classification: Uncertain significance for Cohen syndrome. Last evaluated: 2024-11-25. Review status: criteria provided, single submitter. Criteria: Invitae Variant Classification Sherloc (09022015). Collection method: clinical testing. Allele origin: germline.
Comment: This sequence change replaces glycine, which is neutral and non-polar, with serine, which is neutral and polar, at codon 362 of the VPS13B protein (p.Gly362Ser). This variant is not present in population databases (gnomAD no frequency). This variant has not been reported in the literature in individuals affected with VPS13B-related conditions. Invitae Evidence Modeling of protein sequence and biophysical properties (such as structural, functional, and spatial information, amino acid conservation, physicochemical variation, residue mobility, and thermodynamic stability) indicates that this missense variant is not expected to disrupt VPS13B protein function with a negative predictive value of 80%. In summary, the available evidence is currently insufficient to determine the role of this variant in disease. Therefore, it has been classified as a Variant of Uncertain Significance.

NM_152564.5(VPS13B):c.1084G>A (p.Gly362Ser)

Gene: VPS13B (vacuolar protein sorting 13 homolog B; plus strand). Cytogenetic location: 8q22.2.
Variant type: single nucleotide variant.
Coding change: c.1084G>A on transcript NM_152564.5 (MANE Select); coding-DNA position 1084, G replaced by A.
Protein change: p.Gly362Ser; replaces glycine 362 with serine.
Molecular consequence: missense variant. On other transcripts: non-coding transcript variant (1).
Genome position (GRCh38, 1-based): chr8:99,121,323, G>A. VCF-style: chr8-99121323-G-A. GRCh37 (hg19) VCF-style: chr8-100133551-G-A.
Other names: c.1084G>A, p.Gly362Ser (NM_015243.3, NM_017890.5, NM_181661.3); short protein forms G362S.
Identifiers: ClinVar variation 3674849 (VCV003674849.2).